The following is an entry in ClinVar:

ClinVar aggregate classification (germline): Likely pathogenic (1 of 4 stars; one submission).

Conditions:
Developmental and epileptic encephalopathy, 53. Also called: Epileptic encephalopathy, early infantile, 53. Identifiers: MedGen C4479313, MONDO:0033362, OMIM 617389.
Early-onset Parkinson disease 20. Also called: PARKINSON DISEASE 20, AUTOSOMAL RECESSIVE EARLY-ONSET. Identifiers: Orphanet 391411, MedGen C3809824, MONDO:0014233, OMIM 615530.

Submission:

Labcorp Genetics (formerly Invitae), Labcorp
Classification: Likely pathogenic for Developmental and epileptic encephalopathy, 53; Early-onset Parkinson disease 20. Last evaluated: 2022-07-26. Review status: criteria provided, single submitter. Criteria: Invitae Variant Classification Sherloc (09022015). Collection method: clinical testing. Allele origin: germline.
Comment: This variant results in the deletion of exons 19 and part of exon 20 (c.2422-1634_2690del) of the SYNJ1 gene. It is expected to disrupt RNA splicing. Variants that disrupt the donor or acceptor splice site typically lead to a loss of protein function (PMID: 16199547), and loss-of-function variants in SYNJ1 are known to be pathogenic (PMID: 25316601, 27435091). This variant has not been reported in the literature in individuals affected with SYNJ1-related conditions. In summary, the currently available evidence indicates that the variant is pathogenic, but additional data are needed to prove that conclusively. Therefore, this variant has been classified as Likely Pathogenic.

Literature cited by the submitters: PubMed 16199547; PubMed 25316601; PubMed 27435091.

NC_000021.8:g.(?_34029319)_(34031816_?)del

Gene: SYNJ1 (synaptojanin 1; minus strand). Cytogenetic location: 21q22.11.
Variant type: Deletion.
Identifiers: ClinVar variation 1509533 (VCV001509533.6).